The following is an entry in ClinVar:

NM_001080421.3(UNC13A):c.3381T>C (p.Tyr1127=)

Gene: UNC13A (unc-13 homolog A; minus strand). Cytogenetic location: 19p13.11.
Variant type: single nucleotide variant.
Coding change: c.3381T>C on transcript NM_001080421.3 (MANE Select); coding-DNA position 3381, T replaced by C.
Protein change: p.Tyr1127=; no amino-acid change (tyrosine 1127 retained).
Molecular consequence: synonymous variant.
Genome position (GRCh38, 1-based): chr19:17,632,829, A>G on the plus strand (T>C on the coding strand, the complement: UNC13A is on the minus strand). VCF-style: chr19-17632829-A-G. GRCh37 (hg19) VCF-style: chr19-17743638-A-G.
Other names: c.3375T>C, p.Tyr1125= (NM_001387021.1, NM_001387022.1, NM_001387023.1).
Identifiers: ClinVar variation 2649548 (VCV002649548.24), dbSNP rs2513022439, ClinGen allele CA505998286.

ClinVar aggregate classification (germline): Likely benign (1 of 4 stars; one submission).

Allele frequency attached by ClinVar (database versions not stated): gnomAD exomes below 0.00001.

Submission:

CeGaT Center for Human Genetics Tuebingen
Classification: Likely benign. Last evaluated: 2023-03-01. Review status: criteria provided, single submitter. Criteria: CeGaT Center For Human Genetics Tuebingen Variant Classification Criteria Version 2. Collection method: clinical testing. Allele origin: germline. Affected: yes. Observed: 1 variant allele.
Comment: UNC13A: PM2:Supporting, BP4, BP7